The following is an entry in ClinVar:

ClinVar aggregate classification (germline): Pathogenic (1 of 4 stars; one submission).

gnomAD v4.1: 1 of 1,613,722 alleles (0.000062%); highest among the groups gnomAD compares: South Asian, 0.0011%; no homozygotes.

Submission:

Labcorp Genetics (formerly Invitae), Labcorp
Classification: Pathogenic. Last evaluated: 2024-07-30. Review status: criteria provided, single submitter. Criteria: Invitae Variant Classification Sherloc (09022015). Collection method: clinical testing. Allele origin: germline.
Comment: This sequence change creates a premature translational stop signal (p.Tyr636*) in the VPS13C gene. It is expected to result in an absent or disrupted protein product. Loss-of-function variants in VPS13C are known to be pathogenic (PMID: 26942284, 34875562). This variant is not present in population databases (gnomAD no frequency). This variant has not been reported in the literature in individuals affected with VPS13C-related conditions. Algorithms developed to predict the effect of sequence changes on RNA splicing suggest that this variant may disrupt the consensus splice site. For these reasons, this variant has been classified as Pathogenic.

Literature cited by the submitters: PubMed 26942284; PubMed 34875562.

NM_020821.3(VPS13C):c.1908T>G (p.Tyr636Ter)

Gene: VPS13C (vacuolar protein sorting 13 homolog C; minus strand). Cytogenetic location: 15q22.2.
Variant type: single nucleotide variant.
Coding change: c.1908T>G on transcript NM_020821.3 (MANE Select); coding-DNA position 1908, T replaced by G.
Protein change: p.Tyr636Ter; replaces tyrosine 636 with a stop codon.
Molecular consequence: nonsense.
Genome position (GRCh38, 1-based): chr15:61,983,826, A>C on the plus strand (T>G on the coding strand, the complement: VPS13C is on the minus strand). VCF-style: chr15-61983826-A-C. GRCh37 (hg19) VCF-style: chr15-62276025-A-C.
Other names: c.1908T>G, p.Tyr636Ter (NM_001018088.3); c.1779T>G, p.Tyr593Ter (NM_017684.5, NM_018080.4); short protein forms Y593*, Y636*.
Identifiers: ClinVar variation 3660869 (VCV003660869.2).